The following is an entry in ClinVar:

ClinVar aggregate classification (germline): Uncertain significance. Review status: criteria provided, multiple submitters, no conflicts (2 of 4 stars). 2 submissions from 2 submitters: Uncertain significance (2). Last evaluated 2025-12-08.

Allele frequency attached by ClinVar (database versions not stated): gnomAD exomes below 0.00001; gnomAD 0.00001.
gnomAD v4.1: 3 of 1,613,770 alleles (0.00019%); highest among the groups gnomAD compares: Non-Finnish European, 0.00025%; no homozygotes.

Submissions (2):

Ambry Genetics
Classification: Uncertain significance. Last evaluated: 2025-12-08. Review status: criteria provided, single submitter. Criteria: Ambry Variant Classification Scheme 2023. Collection method: clinical testing. Allele origin: germline.

Labcorp Genetics (formerly Invitae), Labcorp
Classification: Uncertain significance. Last evaluated: 2022-05-22. Review status: criteria provided, single submitter. Criteria: Invitae Variant Classification Sherloc (09022015). Collection method: clinical testing. Allele origin: germline.
Comment: In summary, the available evidence is currently insufficient to determine the role of this variant in disease. Therefore, it has been classified as a Variant of Uncertain Significance. This sequence change replaces leucine, which is neutral and non-polar, with valine, which is neutral and non-polar, at codon 274 of the KLC2 protein (p.Leu274Val). This variant is not present in population databases (gnomAD no frequency). This variant has not been reported in the literature in individuals affected with KLC2-related conditions. Algorithms developed to predict the effect of missense changes on protein structure and function (SIFT, PolyPhen-2, Align-GVGD) all suggest that this variant is likely to be tolerated.

NM_001318734.2(KLC2):c.820C>G (p.Leu274Val)

Genes: KLC2 (kinesin light chain 2; plus strand), KLC2-AS1 (KLC2 antisense RNA 1; minus strand). Cytogenetic location: 11q13.2.
Variant type: single nucleotide variant.
Coding change: c.820C>G on transcript NM_001318734.2 (MANE Select); coding-DNA position 820, C replaced by G.
Protein change: p.Leu274Val; replaces leucine 274 with valine.
Molecular consequence: missense variant.
Genome position (GRCh38, 1-based): chr11:66,263,727, C>G. VCF-style: chr11-66263727-C-G. GRCh37 (hg19) VCF-style: chr11-66031198-C-G.
Other names: c.589C>G, p.Leu197Val (NM_001134774.2); c.820C>G, p.Leu274Val (NM_001134775.2, NM_001134776.2, NM_022822.3); c.820C>G (NM_001134775.1); short protein forms L197V, L274V.
Identifiers: ClinVar variation 1962029 (VCV001962029.6), dbSNP rs915837358, ClinGen allele CA224052617.